The following is an entry in ClinVar:

NM_001184.4(ATR):c.4793C>T (p.Ala1598Val)

Gene: ATR (ATR checkpoint kinase; minus strand). Cytogenetic location: 3q23.
Variant type: single nucleotide variant.
Coding change: c.4793C>T on transcript NM_001184.4 (MANE Select); coding-DNA position 4793, C replaced by T.
Protein change: p.Ala1598Val; replaces alanine 1598 with valine.
Molecular consequence: missense variant.
Genome position (GRCh38, 1-based): chr3:142,512,319, G>A on the plus strand (C>T on the coding strand, the complement: ATR is on the minus strand). VCF-style: chr3-142512319-G-A. GRCh37 (hg19) VCF-style: chr3-142231161-G-A.
Other names: c.4601C>T, p.Ala1534Val (NM_001354579.2); short protein forms A1534V, A1598V.
Identifiers: ClinVar variation 1402187 (VCV001402187.8), dbSNP rs1191143220, ClinGen allele CA354795217.

ClinVar aggregate classification (germline): Uncertain significance (1 of 4 stars; one submission).

Allele frequency attached by ClinVar (database versions not stated): gnomAD exomes below 0.00001; gnomAD 0.00001.
gnomAD v4.1: 4 of 1,613,274 alleles (0.00025%); highest among the groups gnomAD compares: Non-Finnish European, 0.00034%; no homozygotes.

Submission:

Labcorp Genetics (formerly Invitae), Labcorp
Classification: Uncertain significance. Last evaluated: 2022-07-25. Review status: criteria provided, single submitter. Criteria: Invitae Variant Classification Sherloc (09022015). Collection method: clinical testing. Allele origin: germline.
Comment: In summary, the available evidence is currently insufficient to determine the role of this variant in disease. Therefore, it has been classified as a Variant of Uncertain Significance. Algorithms developed to predict the effect of sequence changes on RNA splicing suggest that this variant may disrupt the consensus splice site. Algorithms developed to predict the effect of missense changes on protein structure and function output the following: SIFT: "Tolerated"; PolyPhen-2: "Benign"; Align-GVGD: "Class C0". The valine amino acid residue is found in multiple mammalian species, which suggests that this missense change does not adversely affect protein function. ClinVar contains an entry for this variant (Variation ID: 1402187). This variant has not been reported in the literature in individuals affected with ATR-related conditions. This variant is present in population databases (no rsID available, gnomAD 0.007%). This sequence change replaces alanine, which is neutral and non-polar, with valine, which is neutral and non-polar, at codon 1598 of the ATR protein (p.Ala1598Val).